The following is an entry in ClinVar:

NM_001367561.1(DOCK7):c.4901G>A (p.Arg1634Lys)

Gene: DOCK7 (dedicator of cytokinesis 7; minus strand). Cytogenetic location: 1p31.3.
Variant type: single nucleotide variant.
Coding change: c.4901G>A on transcript NM_001367561.1 (MANE Select); coding-DNA position 4901, G replaced by A.
Protein change: p.Arg1634Lys; replaces arginine 1634 with lysine.
Molecular consequence: missense variant.
Genome position (GRCh38, 1-based): chr1:62,496,361, C>T on the plus strand (G>A on the coding strand, the complement: DOCK7 is on the minus strand). VCF-style: chr1-62496361-C-T. GRCh37 (hg19) VCF-style: chr1-62962032-C-T.
Other names: c.4874G>A, p.Arg1625Lys (NM_001271999.2, NM_001330614.2); c.4781G>A, p.Arg1594Lys (NM_001272000.2, NM_001272001.2); c.4808G>A, p.Arg1603Lys (NM_033407.4); short protein forms R1603K, R1625K, R1634K, R1594K.
Identifiers: ClinVar variation 575450 (VCV000575450.10), dbSNP rs746701705, ClinGen allele CA885592.

ClinVar aggregate classification (germline): Uncertain significance. Review status: criteria provided, multiple submitters, no conflicts (2 of 4 stars). 2 submissions from 2 submitters: Uncertain significance (2). Last evaluated 2025-01-03.

Conditions:
Developmental and epileptic encephalopathy, 23 (DEE23). Also called: Epileptic encephalopathy, early infantile, 23. Identifiers: Orphanet 411986, MedGen C4014492, MONDO:0014371, OMIM 615859.

Allele frequency attached by ClinVar (database versions not stated): ExAC 0.00001; gnomAD exomes 0.00001 and below 0.00001; TOPMed 0.00003; gnomAD 0.00002.
gnomAD v4.1: 22 of 1,612,922 alleles (0.0014%); highest among the groups gnomAD compares: African/African-American, 0.004%; no homozygotes.

Submissions (2):

GeneDx
Classification: Uncertain significance. Last evaluated: 2025-01-03. Review status: criteria provided, single submitter. Criteria: GeneDx Variant Classification Process June 2021. Collection method: clinical testing. Allele origin: germline. Affected: yes.
Comment: Not observed at significant frequency in large population cohorts (gnomAD); In silico analysis indicates that this missense variant does not alter protein structure/function; Has not been previously published as pathogenic or benign to our knowledge

Labcorp Genetics (formerly Invitae), Labcorp
Classification: Uncertain significance for Developmental and epileptic encephalopathy, 23. Last evaluated: 2021-08-24. Review status: criteria provided, single submitter. Criteria: Invitae Variant Classification Sherloc (09022015). Collection method: clinical testing. Allele origin: germline.
Comment: This sequence change replaces arginine with lysine at codon 1625 of the DOCK7 protein (p.Arg1625Lys). The arginine residue is highly conserved and there is a small physicochemical difference between arginine and lysine. This variant is present in population databases (rs746701705, ExAC 0.006%). This variant has not been reported in the literature in individuals affected with DOCK7-related conditions. Algorithms developed to predict the effect of missense changes on protein structure and function (SIFT, PolyPhen-2, Align-GVGD) all suggest that this variant is likely to be tolerated. In summary, the available evidence is currently insufficient to determine the role of this variant in disease. Therefore, it has been classified as a Variant of Uncertain Significance.